The following is an entry in ClinVar:

ClinVar aggregate classification (germline): Uncertain significance (1 of 4 stars; one submission).

Conditions:
Neuropathy, hereditary sensory, type 2C. Also called: KIF1A-Related HSAN2 (HSAN2C); Hereditary sensory and autonomic neuropathy type IIC. Identifiers: Orphanet 970, MedGen C3280168, MONDO:0013634, OMIM 614213.
Hereditary spastic paraplegia 30. Identifiers: Orphanet 101010, MedGen C5235139, MONDO:0012476.
Intellectual disability, autosomal dominant 9 (NESCAVS). Also called: NESCAV SYNDROME; KIF1A-Related Neurodevelopmental Disorder. Identifiers: Orphanet 662367, MedGen C5393830, MONDO:0013656, OMIM 614255.

Allele frequency attached by ClinVar (database versions not stated): TOPMed 0.00001.

Submission:

Labcorp Genetics (formerly Invitae), Labcorp
Classification: Uncertain significance for Hereditary spastic paraplegia 30; Neuropathy, hereditary sensory, type 2C; Intellectual disability, autosomal dominant 9. Last evaluated: 2025-10-08. Review status: criteria provided, single submitter. Criteria: Invitae Variant Classification Sherloc (09022015). Collection method: clinical testing. Allele origin: germline.
Comment: This sequence change falls in intron 20 of the KIF1A gene. It does not directly change the encoded amino acid sequence of the KIF1A protein. It affects a nucleotide within the consensus splice site. This variant is not present in population databases (gnomAD no frequency). This variant has not been reported in the literature in individuals affected with KIF1A-related conditions. ClinVar contains an entry for this variant (Variation ID: 2952878). Variants that disrupt the consensus splice site are a relatively common cause of aberrant splicing (PMID: 17576681, 9536098). Algorithms developed to predict the effect of sequence changes on RNA splicing suggest that this variant is not likely to affect RNA splicing. In summary, the available evidence is currently insufficient to determine the role of this variant in disease. Therefore, it has been classified as a Variant of Uncertain Significance.

Literature cited by the submitters: PubMed 17576681; PubMed 9536098.

NM_001244008.2(KIF1A):c.2023-3C>T

Gene: KIF1A (kinesin family member 1A; minus strand). Cytogenetic location: 2q37.3.
Variant type: single nucleotide variant.
Coding change: c.2023-3C>T on transcript NM_001244008.2 (MANE Select); 3 bases into the intron before coding-DNA position 2023, C replaced by T.
Molecular consequence: intron variant.
Genome position (GRCh38, 1-based): chr2:240,762,815, G>A on the plus strand (C>T on the coding strand, the complement: KIF1A is on the minus strand). VCF-style: chr2-240762815-G-A. GRCh37 (hg19) VCF-style: chr2-241702232-G-A.
Other names: c.1996-3C>T (NM_001379653.1, NM_001379650.1, NM_001379645.1 and 10 more transcripts); c.2098-3C>T (NM_001379635.1, NM_001330290.2, NM_001379646.1 and 2 more transcripts); c.2071-3C>T (NM_001379637.1, NM_001379648.1); c.2023-3C>T (NM_001320705.2, NM_001379638.1, NM_001330289.2).
Identifiers: ClinVar variation 2952878 (VCV002952878.3), dbSNP rs2050690293, ClinGen allele CA1044063939.